The following is an entry in ClinVar:

ClinVar aggregate classification (germline): Likely benign (1 of 4 stars; one submission).

Conditions:
Palmoplantar keratoderma, epidermolytic. Also called: Localized epidermolytic hyperkeratosis. Identifiers: MedGen C1721006, MONDO:0968949, HP:0007559.

Allele frequency attached by ClinVar (database versions not stated): gnomAD 0.00006 and 0.00015; TOPMed 0.00015; gnomAD exomes 0.00016 and 0.00022; ExAC 0.00029; 1000 Genomes Project 30x 0.00125; 1000 Genomes Project 0.00160.
gnomAD v4.1: 257 of 1,613,168 alleles (0.016%); highest among the groups gnomAD compares: East Asian, 0.56%; 1 homozygote.

Submission:

Illumina Laboratory Services, Illumina
Classification: Likely benign for Epidermolytic palmoplantar keratoderma, 1. Last evaluated: 2018-01-13. Review status: criteria provided, single submitter. Criteria: ICSL Variant Classification Criteria 13 December 2019. Collection method: clinical testing. Allele origin: germline.
Comment: This variant was observed in the ICSL laboratory as part of a predisposition screen in an ostensibly healthy population. It had not been previously curated by ICSL or reported in the Human Gene Mutation Database (HGMD: prior to June 1st, 2018), and was therefore a candidate for classification through an automated scoring system. Utilizing variant allele frequency, disease prevalence and penetrance estimates, and inheritance mode, an automated score was calculated to assess if this variant is too frequent to cause the disease. Based on the score and internal cut-off values, a variant classified as likely benign is not then subjected to further curation. The score for this variant resulted in a classification of likely benign for this disease.

NM_000226.4(KRT9):c.437G>A (p.Gly146Asp)

Gene: KRT9 (keratin 9; minus strand). Cytogenetic location: 17q21.2.
Variant type: single nucleotide variant.
Coding change: c.437G>A on transcript NM_000226.4 (MANE Select); coding-DNA position 437, G replaced by A.
Protein change: p.Gly146Asp; replaces glycine 146 with aspartic acid.
Molecular consequence: missense variant.
Genome position (GRCh38, 1-based): chr17:41,571,556, C>T on the plus strand (G>A on the coding strand, the complement: KRT9 is on the minus strand). VCF-style: chr17-41571556-C-T. GRCh37 (hg19) VCF-style: chr17-39727808-C-T.
Other names: short protein forms G146D.
Identifiers: ClinVar variation 890016 (VCV000890016.4), dbSNP rs115534630, ClinGen allele CA8562239.